The following is an entry in ClinVar:

ClinVar aggregate classification (germline): Pathogenic (1 of 4 stars; one submission).

Conditions:
Trichorhinophalangeal syndrome, type III (TRPS3). Also called: SUGIO-KAJII SYNDROME. Identifiers: Orphanet 77258, MedGen C1860823, OMIM 190351, MONDO:0008597.
Trichorhinophalangeal dysplasia type I (TRPS1). Also called: TRPS I; TRICHORHINOPHALANGEAL SYNDROME, TYPE I. Identifiers: Orphanet 77258, MedGen C0432233, MONDO:0008596, OMIM 190350.

Submission:

Labcorp Genetics (formerly Invitae), Labcorp
Classification: Pathogenic for Trichorhinophalangeal syndrome, type III; Trichorhinophalangeal dysplasia type I. Last evaluated: 2020-10-19. Review status: criteria provided, single submitter. Criteria: Invitae Variant Classification Sherloc (09022015). Collection method: clinical testing. Allele origin: germline.
Comment: This variant is not present in population databases (ExAC no frequency). This sequence change creates a premature translational stop signal (p.Asp638Thrfs*2) in the TRPS1 gene. It is expected to result in an absent or disrupted protein product. Loss-of-function variants in TRPS1 are known to be pathogenic (PMID: 11112658). For these reasons, this variant has been classified as Pathogenic. This variant has not been reported in the literature in individuals with TRPS1-related conditions.

Literature cited by the submitters: PubMed 11112658.

NM_014112.5(TRPS1):c.1911del (p.Asp638fs)

Gene: TRPS1 (transcriptional repressor GATA binding 1; minus strand). Cytogenetic location: 8q23.3.
Variant type: Deletion.
Coding change: c.1911del on transcript NM_014112.5 (MANE Select); coding-DNA position 1911, one base deleted (T; older notation c.1911delT).
Protein change: p.Asp638fs; shifts the reading frame from aspartic acid 638.
Molecular consequence: frameshift variant.
Genome position (GRCh38, 1-based): chr8:115,604,058, A deleted on the plus strand (T on the coding strand, the reverse complement: TRPS1 is on the minus strand). VCF-style (leftmost placement, unchanged base first): chr8-115604057-CA-C. GRCh37 (hg19) VCF-style: chr8-116616284-CA-C.
Other names: c.1884del, p.Asp629fs (NM_001282902.3); c.1890del, p.Asp631fs (NM_001282903.3); c.1872del, p.Asp625fs (NM_001330599.2); short protein forms D625fs, D629fs, D631fs, D638fs.
Identifiers: ClinVar variation 1070473 (VCV001070473.7), dbSNP rs2130490634, ClinGen allele CA2499219101.